The following is an entry in ClinVar:

ClinVar aggregate classification (germline): Pathogenic (1 of 4 stars; one submission).

Submission:

Labcorp Genetics (formerly Invitae), Labcorp
Classification: Pathogenic. Last evaluated: 2024-06-17. Review status: criteria provided, single submitter. Criteria: Invitae Variant Classification Sherloc (09022015). Collection method: clinical testing. Allele origin: germline.
Comment: This sequence change creates a premature translational stop signal (p.Gln905*) in the CYLD gene. While this is not anticipated to result in nonsense mediated decay, it is expected to disrupt the last 52 amino acid(s) of the CYLD protein. This variant is not present in population databases (gnomAD no frequency). This premature translational stop signal has been observed in individuals with clinical features of Brook-Spiegler syndrome (PMID: 23249834; Invitae). Algorithms developed to predict the effect of sequence changes on RNA splicing suggest that this variant may disrupt the consensus splice site. This variant disrupts a region of the CYLD protein in which other variant(s) (p.Arg936*) have been determined to be pathogenic (PMID: 10835629, 25751345, 31792733). This suggests that this is a clinically significant region of the protein, and that variants that disrupt it are likely to be disease-causing. For these reasons, this variant has been classified as Pathogenic.

Literature cited by the submitters: PubMed 23249834; PubMed 10835629; PubMed 25751345; PubMed 31792733.

NM_001378743.1(CYLD):c.2713C>T (p.Gln905Ter)

Genes: CYLD (CYLD lysine 63 deubiquitinase; plus strand), CYLD-AS2 (CYLD antisense RNA 2; minus strand). Cytogenetic location: 16q12.1.
Variant type: single nucleotide variant.
Coding change: c.2713C>T on transcript NM_001378743.1 (MANE Select); coding-DNA position 2713, C replaced by T.
Protein change: p.Gln905Ter; replaces glutamine 905 with a stop codon.
Molecular consequence: nonsense. On other transcripts: non-coding transcript variant (1).
Genome position (GRCh38, 1-based): chr16:50,796,350, C>T. VCF-style: chr16-50796350-C-T. GRCh37 (hg19) VCF-style: chr16-50830261-C-T.
Other names: c.2704C>T, p.Gln902Ter (NM_001042355.2, NM_001042412.3, NM_001378744.1 and 6 more transcripts); c.2674C>T, p.Gln892Ter (NM_001378751.1, NM_001378752.1, NM_001378753.1); c.2038C>T, p.Gln680Ter (NM_001378754.1, NM_001378755.1); c.2713C>T, p.Gln905Ter (NM_015247.3); short protein forms Q892*, Q902*, Q905*, Q680*.
Identifiers: ClinVar variation 3722190 (VCV003722190.2).
Genomic context (GRCh38, chr16:50,796,350, plus strand): 5'-CTGCCCTATAAAGAGTTCTTCCTCTGTGCCATAGGTGGTCAGAATGGCTTCAACATTCCT[C>T]AAGTCACCCCATGCCCAGAAGTAGGAGAGTACTTGAAGATGTCTCTGGAAGACCTGCATT-3'